The following is an entry in ClinVar:

NM_001384732.1(CPLANE1):c.2920+1G>A

Gene: CPLANE1 (ciliogenesis and planar polarity effector complex subunit 1; minus strand). Cytogenetic location: 5p13.2.
Variant type: single nucleotide variant.
Coding change: c.2920+1G>A on transcript NM_001384732.1 (MANE Select); the canonical splice donor site of the intron after coding-DNA position 2920, G replaced by A.
Molecular consequence: splice donor variant.
Genome position (GRCh38, 1-based): chr5:37,213,558, C>T on the plus strand (G>A on the coding strand, the complement: CPLANE1 is on the minus strand). VCF-style: chr5-37213558-C-T. GRCh37 (hg19) VCF-style: chr5-37213660-C-T.
Other names: c.2920+1G>A (NM_023073.4).
Identifiers: ClinVar variation 2429537 (VCV002429537.2), dbSNP rs2548377998, ClinGen allele CA359483309.

ClinVar aggregate classification (germline): Likely pathogenic. Review status: criteria provided, multiple submitters, no conflicts (2 of 4 stars). 2 submissions from 2 submitters: Likely pathogenic (2). Last evaluated 2022-08-07.

Conditions:
CPLANE1-related disorders.

Allele frequency attached by ClinVar (database versions not stated): gnomAD exomes below 0.00001.
gnomAD v4.1: 3 of 1,525,876 alleles (0.0002%); highest among the groups gnomAD compares: Non-Finnish European, 0.00027%; no homozygotes.

Submissions (2):

GeneDx
Classification: Likely pathogenic. Last evaluated: 2022-08-07. Review status: criteria provided, single submitter. Criteria: GeneDx Variant Classification Process June 2021. Collection method: clinical testing. Allele origin: germline. Affected: yes.
Comment: Canonical splice site variant expected to result in aberrant splicing, although in the absence of functional evidence the actual effect of this sequence change is unknown.; Not observed at significant frequency in large population cohorts (gnomAD); This variant is associated with the following publications: (PMID: 27081551)

Blueprint Genetics
Classification: Likely pathogenic for CPLANE1-related disorders. Last evaluated: 2022-04-01. Review status: criteria provided, single submitter. Criteria: ACMG Guidelines, 2015. Collection method: clinical testing. Allele origin: germline. Affected: yes. Observed: 1 variant allele.